The following is an entry in ClinVar:

ClinVar aggregate classification (germline): Uncertain significance. Review status: criteria provided, multiple submitters, no conflicts (2 of 4 stars). 4 submissions from 4 submitters: Uncertain significance (4). Last evaluated 2025-10-13.

Conditions:
Aortic aneurysm, familial thoracic 7 (AAT7). Also called: AORTIC DISSECTION, FAMILIAL, WITH OR WITHOUT AORTIC ANEURYSM. Identifiers: MedGen C3151077, MONDO:0013418, OMIM 613780.
Megacystis-microcolon-intestinal hypoperistalsis syndrome 1. Identifiers: MedGen C5542316, MONDO:0100354, OMIM 249210.
Familial thoracic aortic aneurysm and aortic dissection (TAAD). Also called: Thoracic aortic aneurysms and dissections. Identifiers: Orphanet 91387, MedGen C4707243, MONDO:0019625.

Allele frequency attached by ClinVar (database versions not stated): ExAC 0.00001; gnomAD 0.00001; gnomAD exomes 0.00001; TOPMed 0.00001; ESP Exome Variant Server 0.00008.
gnomAD v4.1: 18 of 1,613,858 alleles (0.0011%); highest among the groups gnomAD compares: Non-Finnish European, 0.0012%; no homozygotes.

Submissions (4):

Labcorp Genetics (formerly Invitae), Labcorp
Classification: Uncertain significance for Aortic aneurysm, familial thoracic 7. Last evaluated: 2025-10-13. Review status: criteria provided, single submitter. Criteria: Invitae Variant Classification Sherloc (09022015). Collection method: clinical testing. Allele origin: germline.
Comment: This sequence change replaces arginine, which is basic and polar, with tryptophan, which is neutral and slightly polar, at codon 1344 of the MYLK protein (p.Arg1344Trp). This variant is present in population databases (rs141271656, gnomAD 0.002%). This variant has not been reported in the literature in individuals affected with MYLK-related conditions. ClinVar contains an entry for this variant (Variation ID: 665776). Invitae Evidence Modeling of protein sequence and biophysical properties (such as structural, functional, and spatial information, amino acid conservation, physicochemical variation, residue mobility, and thermodynamic stability) indicates that this missense variant is not expected to disrupt MYLK protein function with a negative predictive value of 80%. In summary, the available evidence is currently insufficient to determine the role of this variant in disease. Therefore, it has been classified as a Variant of Uncertain Significance.

Ambry Genetics
Classification: Uncertain significance for Familial thoracic aortic aneurysm and aortic dissection. Last evaluated: 2024-10-10. Review status: criteria provided, single submitter. Criteria: Ambry Variant Classification Scheme 2023. Collection method: clinical testing. Allele origin: germline.
Comment: The p.R1344W variant (also known as c.4030C>T), located in coding exon 21 of the MYLK gene, results from a C to T substitution at nucleotide position 4030. The arginine at codon 1344 is replaced by tryptophan, an amino acid with dissimilar properties. This amino acid position is highly conserved in available vertebrate species. In addition, the in silico prediction for this alteration is inconclusive. Based on the available evidence, the clinical significance of this variant remains unclear.

Fulgent Genetics
Classification: Uncertain significance for Megacystis-microcolon-intestinal hypoperistalsis syndrome 1; Aortic aneurysm, familial thoracic 7. Last evaluated: 2021-08-10. Review status: criteria provided, single submitter. Criteria: ACMG Guidelines, 2015. Collection method: clinical testing. Allele origin: unknown.

GeneDx
Classification: Uncertain significance. Last evaluated: 2019-11-25. Review status: criteria provided, single submitter. Criteria: GeneDx Variant Classification Process June 2021. Collection method: clinical testing. Allele origin: germline. Affected: yes.
Comment: Has not been previously published as pathogenic or benign to our knowledge; Reported in ClinVar as a variant of uncertain significance (ClinVar Variant ID# 665776; Landrum et al., 2016); Not observed at a significant frequency in large population cohorts (Lek et al., 2016); In silico analysis, which includes protein predictors and evolutionary conservation, supports a deleterious effect

NM_053025.4(MYLK):c.4030C>T (p.Arg1344Trp)

Gene: MYLK (myosin light chain kinase; minus strand). Cytogenetic location: 3q21.1.
Variant type: single nucleotide variant.
Coding change: c.4030C>T on transcript NM_053025.4 (MANE Select); coding-DNA position 4030, C replaced by T.
Protein change: p.Arg1344Trp; replaces arginine 1344 with tryptophan.
Molecular consequence: missense variant.
Genome position (GRCh38, 1-based): chr3:123,657,384, G>A on the plus strand (C>T on the coding strand, the complement: MYLK is on the minus strand). VCF-style: chr3-123657384-G-A. GRCh37 (hg19) VCF-style: chr3-123376231-G-A.
Other names: c.3502C>T, p.Arg1168Trp (NM_001321309.2); c.3823C>T, p.Arg1275Trp (NM_053026.4, NM_053028.4); c.4030C>T, p.Arg1344Trp (NM_053027.4); short protein forms R1168W, R1275W, R1344W.
Identifiers: ClinVar variation 665776 (VCV000665776.12), dbSNP rs141271656, ClinGen allele CA070840.